The following is an entry in ClinVar:

NM_000036.3(AMPD1):c.1659G>C (p.Met553Ile)

Gene: AMPD1 (adenosine monophosphate deaminase 1; minus strand). Cytogenetic location: 1p13.2.
Variant type: single nucleotide variant.
Coding change: c.1659G>C on transcript NM_000036.3 (MANE Select); coding-DNA position 1659, G replaced by C.
Protein change: p.Met553Ile; replaces methionine 553 with isoleucine.
Molecular consequence: missense variant.
Genome position (GRCh38, 1-based): chr1:114,675,550, C>G on the plus strand (G>C on the coding strand, the complement: AMPD1 is on the minus strand). VCF-style: chr1-114675550-C-G. GRCh37 (hg19) VCF-style: chr1-115218171-C-G.
Other names: c.1647G>C, p.Met549Ile (NM_001172626.2); short protein forms M549I, M553I.
Identifiers: ClinVar variation 1450669 (VCV001450669.6), dbSNP rs1657954756, ClinGen allele CA341746563.

ClinVar aggregate classification (germline): Uncertain significance (1 of 4 stars; one submission).

Conditions:
Muscle AMP deaminase deficiency (MMDD). Also called: AMPD1 DEFICIENCY; ADENOSINE MONOPHOSPHATE DEAMINASE-1 DEFICIENCY, MYOPATHY DUE TO; Myoadenylate deaminase deficiency, myopathy due to; Adenosine monophosphate deaminase 1 deficiency; AMP deaminase 1 deficiency; Adenosine Monophosphate Deaminase 1. Identifiers: Orphanet 45, MedGen C3714933, MONDO:0014220, OMIM 615511.

Allele frequency attached by ClinVar (database versions not stated): gnomAD exomes below 0.00001; TOPMed 0.00001.
gnomAD v4.1: 2 of 1,614,142 alleles (0.00012%); highest among the groups gnomAD compares: Non-Finnish European, 0.000085%; no homozygotes.

Submission:

Labcorp Genetics (formerly Invitae), Labcorp
Classification: Uncertain significance for Muscle AMP deaminase deficiency. Last evaluated: 2021-10-27. Review status: criteria provided, single submitter. Criteria: Invitae Variant Classification Sherloc (09022015). Collection method: clinical testing. Allele origin: germline.
Comment: In summary, the available evidence is currently insufficient to determine the role of this variant in disease. Therefore, it has been classified as a Variant of Uncertain Significance. Algorithms developed to predict the effect of missense changes on protein structure and function (SIFT, PolyPhen-2, Align-GVGD) all suggest that this variant is likely to be tolerated. This variant has not been reported in the literature in individuals affected with AMPD1-related conditions. This variant is not present in population databases (gnomAD no frequency). This sequence change replaces methionine, which is neutral and non-polar, with isoleucine, which is neutral and non-polar, at codon 586 of the AMPD1 protein (p.Met586Ile).